The following is an entry in ClinVar:

NM_001041.4(SI):c.1014T>G (p.Tyr338Ter)

Gene: SI (sucrase-isomaltase; minus strand). Cytogenetic location: 3q26.1.
Variant type: single nucleotide variant.
Coding change: c.1014T>G on transcript NM_001041.4 (MANE Select); coding-DNA position 1014, T replaced by G.
Protein change: p.Tyr338Ter; replaces tyrosine 338 with a stop codon.
Molecular consequence: nonsense.
Genome position (GRCh38, 1-based): chr3:165,062,377, A>C on the plus strand (T>G on the coding strand, the complement: SI is on the minus strand). VCF-style: chr3-165062377-A-C. GRCh37 (hg19) VCF-style: chr3-164780165-A-C.
Other names: short protein forms Y338*.
Identifiers: ClinVar variation 4734527 (VCV004734527.1).
Genomic context (GRCh38, chr3:165,062,377, plus strand): 5'-TAGATGAAATAAAAGTATGCAGAAAAAATTTTATAAAATAGACCTGAAACACACCTGTTG[A>C]TACTGTTGAACTACTTGTTCTGGTGTATCTCCTAGAAGGATGTAAAAATCCAGAATGCCA-3'

ClinVar aggregate classification (germline): Pathogenic (1 of 4 stars; one submission).

gnomAD v4.1: 6 of 1,511,666 alleles (0.0004%); highest among the groups gnomAD compares: Non-Finnish European, 0.00046%; no homozygotes.

Submission:

Labcorp Genetics (formerly Invitae), Labcorp
Classification: Pathogenic. Last evaluated: 2026-01-06. Review status: criteria provided, single submitter. Criteria: Invitae Variant Classification Sherloc (09022015). Collection method: clinical testing. Allele origin: germline.
Comment: This sequence change creates a premature translational stop signal (p.Tyr338*) in the SI gene. It is expected to result in an absent or disrupted protein product. Loss-of-function variants in SI are known to be pathogenic (PMID: 16329100, 23103650, 25452324). This variant is present in population databases (rs771644846, gnomAD 0.0009%). This variant has not been reported in the literature in individuals affected with SI-related conditions. For these reasons, this variant has been classified as Pathogenic.

Literature cited by the submitters: PubMed 16329100; PubMed 23103650; PubMed 25452324.